The following is an entry in ClinVar:

NM_005751.5(AKAP9):c.10138del (p.Met3380fs)

Gene: AKAP9 (A-kinase anchoring protein 9; plus strand). Cytogenetic location: 7q21.2.
Variant type: Deletion.
Coding change: c.10138del on transcript NM_005751.5 (MANE Select); coding-DNA position 10138, one base deleted (A; older notation c.10138delA).
Protein change: p.Met3380fs; shifts the reading frame from methionine 3380.
Molecular consequence: frameshift variant.
Genome position (GRCh38, 1-based): chr7:92,097,097, A deleted; the last of 3 consecutive A bases (chr7:92,097,095-92,097,097); deleting any one gives the same sequence. VCF-style (leftmost placement, unchanged base first): chr7-92097094-CA-C. GRCh37 (hg19) VCF-style: chr7-91726408-CA-C.
Other names: c.4783del, p.Met1595fs (NM_001379277.1); c.10114del, p.Met3372fs (NM_147185.3); short protein forms M3372fs, M3380fs, M1595fs.
Identifiers: ClinVar variation 853129 (VCV000853129.7), dbSNP rs1816735250, ClinGen allele CA916081495.

ClinVar aggregate classification (germline): Uncertain significance (1 of 4 stars; one submission).

Conditions:
Long QT syndrome (LQTS). Identifiers: MedGen C0023976, MeSH D008133, MONDO:0002442. Disease mechanism: loss of function. Inheritance: Various modes of inheritance.

Submission:

Labcorp Genetics (formerly Invitae), Labcorp
Classification: Uncertain significance for Long QT syndrome. Last evaluated: 2019-06-14. Review status: criteria provided, single submitter. Criteria: Invitae Variant Classification Sherloc (09022015). Collection method: clinical testing. Allele origin: germline.
Comment: This sequence change creates a premature translational stop signal (p.Met3380Trpfs*50) in the AKAP9 gene. It is expected to result in an absent or disrupted protein product. This variant is not present in population databases (ExAC no frequency). In summary, the available evidence is currently insufficient to determine the role of this variant in disease. Therefore, it has been classified as a Variant of Uncertain Significance. The current clinical and genetic evidence is not sufficient to establish whether loss-of-function variants in AKAP9 cause disease. This variant has not been reported in the literature in individuals with AKAP9-related conditions.